The following is an entry in ClinVar:

NM_004304.5(ALK):c.4237G>A (p.Val1413Met)

Gene: ALK (ALK receptor tyrosine kinase; minus strand). Cytogenetic location: 2p23.2.
Variant type: single nucleotide variant.
Coding change: c.4237G>A on transcript NM_004304.5 (MANE Select); coding-DNA position 4237, G replaced by A.
Protein change: p.Val1413Met; replaces valine 1413 with methionine.
Molecular consequence: missense variant.
Genome position (GRCh38, 1-based): chr2:29,193,850, C>T on the plus strand (G>A on the coding strand, the complement: ALK is on the minus strand). VCF-style: chr2-29193850-C-T. GRCh37 (hg19) VCF-style: chr2-29416716-C-T.
Other names: c.1033G>A, p.Val345Met (NM_001353765.2); short protein forms V345M, V1413M.
Identifiers: ClinVar variation 969329 (VCV000969329.13), dbSNP rs560530815, ClinGen allele CA1593613.

ClinVar aggregate classification (germline): Conflicting classifications of pathogenicity. Review status: criteria provided, conflicting classifications (1 of 4 stars). 3 submissions from 3 submitters: Uncertain significance (2); Likely benign (1). Last evaluated 2024-04-22.

Conditions:
Hereditary cancer-predisposing syndrome. Also called: Hereditary neoplastic syndrome; Hereditary Cancer Syndrome; Tumor predisposition; Neoplastic Syndromes, Hereditary. Identifiers: Orphanet 140162, MedGen C0027672, MeSH D009386, MONDO:0015356.
Neuroblastoma, susceptibility to, 3. Also called: ALK-Related Neuroblastic Tumor Susceptibility. Identifiers: Orphanet 635, MedGen C2751681, MONDO:0013083, OMIM 613014.

Allele frequency attached by ClinVar (database versions not stated): gnomAD exomes below 0.00001 and 0.00001; TOPMed below 0.00001; gnomAD 0.00001; ExAC 0.00002; 1000 Genomes Project 30x 0.00031; 1000 Genomes Project 0.00040.
gnomAD v4.1: 6 of 1,613,302 alleles (0.00037%); highest among the groups gnomAD compares: African/African-American, 0.0067%; no homozygotes.

Submissions (3):

Labcorp Genetics (formerly Invitae), Labcorp
Classification: Uncertain significance for Neuroblastoma, susceptibility to, 3. Last evaluated: 2024-04-22. Review status: criteria provided, single submitter. Criteria: Invitae Variant Classification Sherloc (09022015). Collection method: clinical testing. Allele origin: germline.
Comment: This sequence change replaces valine, which is neutral and non-polar, with methionine, which is neutral and non-polar, at codon 1413 of the ALK protein (p.Val1413Met). This variant is present in population databases (rs560530815, gnomAD 0.01%). This variant has not been reported in the literature in individuals affected with ALK-related conditions. ClinVar contains an entry for this variant (Variation ID: 969329). Algorithms developed to predict the effect of missense changes on protein structure and function output the following: SIFT: "Not Available"; PolyPhen-2: "Benign"; Align-GVGD: "Not Available". The methionine amino acid residue is found in multiple mammalian species, which suggests that this missense change does not adversely affect protein function. In summary, the available evidence is currently insufficient to determine the role of this variant in disease. Therefore, it has been classified as a Variant of Uncertain Significance.

Baylor Genetics
Classification: Uncertain significance for Neuroblastoma, susceptibility to, 3. Last evaluated: 2023-06-18. Review status: criteria provided, single submitter. Criteria: ACMG Guidelines, 2015. Collection method: clinical testing. Allele origin: unknown.

Ambry Genetics
Classification: Likely benign for Hereditary cancer-predisposing syndrome. Last evaluated: 2022-02-17. Review status: criteria provided, single submitter. Criteria: Ambry Variant Classification Scheme 2023. Collection method: clinical testing. Allele origin: germline.